The following is an entry in ClinVar:

NM_006565.4(CTCF):c.637C>T (p.Arg213Cys)

Gene: CTCF (CCCTC-binding factor; plus strand). Cytogenetic location: 16q22.1.
Variant type: single nucleotide variant.
Coding change: c.637C>T on transcript NM_006565.4 (MANE Select); coding-DNA position 637, C replaced by T.
Protein change: p.Arg213Cys; replaces arginine 213 with cysteine.
Molecular consequence: missense variant. On other transcripts: intron variant (1).
Genome position (GRCh38, 1-based): chr16:67,611,469, C>T. VCF-style: chr16-67611469-C-T. GRCh37 (hg19) VCF-style: chr16-67645372-C-T.
Other names: c.637C>T, p.Arg213Cys (NM_001363916.2); c.-32-5276C>T (NM_001191022.2); short protein forms R213C.
Identifiers: ClinVar variation 1753160 (VCV001753160.2), dbSNP rs1220590499, ClinGen allele CA396306985.
Genomic context (GRCh38, chr16:67,611,469, plus strand): 5'-AAAGACCCAGACTATCAGCCACCAGCCAAAAAAACAAAGAAAACCAAAAAGAGCAAACTG[C>T]GTTATACAGAGGAGGGCAAAGATGTAGATGTGTCTGTCTACGATTTTGAGGAAGAACAGC-3'
Protein context (NP_006556.1, residues 203-223): KTKKTKKSKL[Arg213Cys]YTEEGKDVDV

ClinVar aggregate classification (germline): Uncertain significance (1 of 4 stars; one submission).

Conditions:
Inborn genetic diseases. Identifiers: MedGen C0950123, MeSH D030342.

Allele frequency attached by ClinVar (database versions not stated): gnomAD exomes below 0.00001.
gnomAD v4.1: 2 of 1,614,106 alleles (0.00012%); highest among the groups gnomAD compares: Non-Finnish European, 0.00017%; no homozygotes.

Submission:

Ambry Genetics
Classification: Uncertain significance for Inborn genetic diseases. Last evaluated: 2017-06-23. Review status: criteria provided, single submitter. Criteria: Ambry Variant Classification Scheme 2023. Collection method: clinical testing. Allele origin: germline.
Comment: The p.R213C variant (also known as c.637C>T), located in coding exon 1 of the CTCF gene, results from a C to T substitution at nucleotide position 637. The arginine at codon 213 is replaced by cysteine, an amino acid with highly dissimilar properties. This amino acid position is highly conserved in available vertebrate species. In addition, this alteration is predicted to be tolerated by in silico analysis. Since supporting evidence is limited at this time, the clinical significance of this alteration remains unclear.